The following is an entry in ClinVar:

ClinVar aggregate classification (germline): Conflicting classifications of pathogenicity. Review status: criteria provided, conflicting classifications (1 of 4 stars). 2 submissions from 2 submitters: Likely pathogenic (1); Uncertain significance (1). Last evaluated 2022-03-24.

Conditions:
Pontocerebellar hypoplasia, type 1C. Also called: HYPOMYELINATION WITH SPINAL MUSCULAR ATROPHY AND CEREBELLAR HYPOPLASIA. Identifiers: Orphanet 2254, MedGen C4015160, MONDO:0014485, OMIM 616081.

Submissions (2):

Institute of Human Genetics, University of Goettingen
Classification: Likely pathogenic for Pontocerebellar hypoplasia, type 1C. Last evaluated: 2022-03-24. Review status: criteria provided, single submitter. Criteria: ACMG Guidelines, 2015. Collection method: clinical testing. Allele origin: germline. Inheritance: Autosomal recessive inheritance. Affected: yes. Observed: 1 compound heterozygote.
Comment: The mutation results in a deletin of a single aminoacid Glycine on position 30, in a region without any repeats and in a highly conserved region. According to ACMG criteria we classified this variant as likely pathogenic (PM2, PP3, PM4, PM3).

CeGaT Center for Human Genetics Tuebingen
Classification: Uncertain significance. Last evaluated: 2019-11-01. Review status: criteria provided, single submitter. Criteria: CeGaT Center For Human Genetics Tuebingen Variant Classification Criteria Version 2. Collection method: clinical testing. Allele origin: germline. Affected: yes. Observed: 3 variant alleles.

NM_181503.3(EXOSC8):c.89_91del (p.Gly30del)

Gene: EXOSC8 (exosome component 8; plus strand). Cytogenetic location: 13q13.3.
Variant type: Deletion.
Coding change: c.89_91del on transcript NM_181503.3 (MANE Select); coding-DNA positions 89 to 91, 3 bases deleted (GTG; older notation c.89_91delGTG).
Protein change: p.Gly30del; deletes glycine 30.
Molecular consequence: inframe deletion.
Genome position (GRCh38, 1-based): chr13:37,002,522-37,002,524, GTG deleted; deleting any 3 consecutive bases within chr13:37,002,520-37,002,524 gives the same sequence; the c. name uses the placement nearest the transcript's 3' end. VCF-style (leftmost placement, unchanged base first): chr13-37002519-TTGG-T. GRCh37 (hg19) VCF-style: chr13-37576656-TTGG-T.
Other names: short protein forms G30del.
Identifiers: ClinVar variation 870726 (VCV000870726.44), dbSNP rs764339075, ClinGen allele CA6951094.